The following is an entry in ClinVar:

NM_000059.4(BRCA2):c.3171_3173del (p.Lys1058del)

Gene: BRCA2 (BRCA2 DNA repair associated; plus strand). Cytogenetic location: 13q13.1.
Variant type: Deletion.
Coding change: c.3171_3173del on transcript NM_000059.4 (MANE Select); coding-DNA positions 3171 to 3173, 3 bases deleted (GAA; older notation c.3171_3173delGAA).
Protein change: p.Lys1058del; deletes lysine 1058.
Molecular consequence: inframe deletion. On other transcripts: non-coding transcript variant (1), intron variant (2).
Genome position (GRCh38, 1-based): chr13:32,337,526-32,337,528, GAA deleted; deleting any 3 consecutive bases within chr13:32,337,524-32,337,528 gives the same sequence; the c. name uses the placement nearest the transcript's 3' end. VCF-style (leftmost placement, unchanged base first): chr13-32337523-AAAG-A. GRCh37 (hg19) VCF-style: chr13-32911660-AAAG-A.
Other names: c.3171_3173del, p.Lys1058del (NM_001406719.1, NM_001406720.1); c.1909+4139_1909+4141del (NM_001406721.1); c.424+6496_424+6498del (NM_001406722.1); short protein forms K1058del.
Identifiers: ClinVar variation 2770540 (VCV002770540.6), dbSNP rs2548525376, ClinGen allele CA2622599419.

ClinVar aggregate classification (germline): Uncertain significance. Review status: criteria provided, multiple submitters, no conflicts (2 of 4 stars). 4 submissions from 4 submitters: Uncertain significance (4). Last evaluated 2026-06-22.

Conditions:
Breast-ovarian cancer, familial, susceptibility to, 2 (BROVCA2). Also called: BRCA2 Hereditary Breast and Ovarian Cancer. Identifiers: Orphanet 145, MedGen C2675520, MONDO:0012933, OMIM 612555. Disease mechanism: loss of function.
Hereditary breast ovarian cancer syndrome. Also called: Hereditary breast and ovarian cancer syndrome; Hereditary breast and ovarian cancer syndrome (HBOC); Breast and ovarian cancer; Hereditary breast and/or ovarian cancer syndrome; Hereditary breast and ovarian cancer; BRCA1- and BRCA2-Associated Hereditary Breast and Ovarian Cancer. Identifiers: Orphanet 145, MedGen C0677776, MeSH D061325, MONDO:0003582. Disease mechanism: loss of function.
Hereditary cancer-predisposing syndrome. Also called: Hereditary Cancer Syndrome; Hereditary neoplastic syndrome; Neoplastic Syndromes, Hereditary; Tumor predisposition. Identifiers: Orphanet 140162, MedGen C0027672, MeSH D009386, MONDO:0015356.

Submissions (4):

Ambry Genetics
Classification: Uncertain significance for Hereditary cancer-predisposing syndrome. Last evaluated: 2026-06-22. Review status: criteria provided, single submitter. Criteria: Ambry Variant Classification Scheme 2023. Collection method: clinical testing. Allele origin: germline.
Comment: The c.3171_3173delGAA variant (also known as p.K1058del) is located in coding exon 10 of the BRCA2 gene. This variant results from an in-frame GAA deletion at nucleotide positions 3171 to 3173. This results in the in-frame deletion of a lysine at codon 1058. This amino acid position is not well conserved in available vertebrate species. In addition, this variant is predicted to be deleterious by in silico analysis (Choi Y et al. PLoS ONE. 2012; 7(10):e46688). Based on the available evidence, the clinical significance of this variant remains unclear.

Labcorp Genetics (formerly Invitae), Labcorp
Classification: Uncertain significance for Hereditary breast ovarian cancer syndrome. Last evaluated: 2023-10-22. Review status: criteria provided, single submitter. Criteria: Invitae Variant Classification Sherloc (09022015). Collection method: clinical testing. Allele origin: germline.
Comment: This variant, c.3171_3173del, results in the deletion of 1 amino acid(s) of the BRCA2 protein (p.Lys1058del), but otherwise preserves the integrity of the reading frame. This variant is not present in population databases (gnomAD no frequency). This variant has not been reported in the literature in individuals affected with BRCA2-related conditions. Experimental studies and prediction algorithms are not available or were not evaluated, and the functional significance of this variant is currently unknown. In summary, the available evidence is currently insufficient to determine the role of this variant in disease. Therefore, it has been classified as a Variant of Uncertain Significance.

All of Us Research Program, National Institutes of Health
Classification: Uncertain significance for Breast-ovarian cancer, familial, susceptibility to, 2. Last evaluated: 2023-05-04. Review status: criteria provided, single submitter. Criteria: ACMG Guidelines, 2015. Collection method: clinical testing. Allele origin: germline. Inheritance: Autosomal dominant inheritance. Observed: 1 variant allele, 1 heterozygote.
Comment: This variant causes an in-frame deletion of one amino acid at exon 11 of the BRCA2 protein. To our knowledge, functional studies have not been reported for this variant. This variant has not been reported in individuals affected with hereditary cancer in the literature. This variant has not been identified in the general population by the Genome Aggregation Database (gnomAD). The available evidence is insufficient to determine the role of this variant in disease conclusively. Therefore, this variant is classified as a Variant of Uncertain Significance.

This study involves interpretation of variants in research participants for the purpose of population health screening. Participant phenotype was not available at the time of variant classification. Additional details can be found in publication PMID: 35346344, PMCID: PMC8962531

Color Diagnostics, LLC DBA Color Health
Classification: Uncertain significance for Hereditary cancer-predisposing syndrome. Last evaluated: 2023-04-19. Review status: criteria provided, single submitter. Criteria: ACMG Guidelines, 2015. Collection method: clinical testing. Allele origin: germline.
Comment: This variant causes an in-frame deletion of one amino acid at exon 11 of the BRCA2 protein. To our knowledge, functional studies have not been reported for this variant. This variant has not been reported in individuals affected with hereditary cancer in the literature. This variant has not been identified in the general population by the Genome Aggregation Database (gnomAD). The available evidence is insufficient to determine the role of this variant in disease conclusively. Therefore, this variant is classified as a Variant of Uncertain Significance.